The following is an entry in ClinVar:

ClinVar aggregate classification (germline): Likely benign (1 of 4 stars; one submission).

gnomAD v4.1: 339 of 1,614,208 alleles (0.021%); highest among the groups gnomAD compares: African/African-American, 0.35%; no homozygotes.

Submission:

CeGaT Center for Human Genetics Tuebingen
Classification: Likely benign. Last evaluated: 2024-10-01. Review status: criteria provided, single submitter. Criteria: CeGaT Center For Human Genetics Tuebingen Variant Classification Criteria Version 2. Collection method: clinical testing. Allele origin: germline. Affected: yes. Observed: 1 variant allele.
Comment: SMPD4: BP4, BP7

NM_017951.5(SMPD4):c.1386C>T (p.His462=)

Gene: SMPD4 (sphingomyelin phosphodiesterase 4; minus strand). Cytogenetic location: 2q21.1.
Variant type: single nucleotide variant.
Coding change: c.1386C>T on transcript NM_017951.5 (MANE Select); coding-DNA position 1386, C replaced by T.
Protein change: p.His462=; no amino-acid change (histidine 462 retained).
Molecular consequence: synonymous variant. On other transcripts: non-coding transcript variant (2).
Genome position (GRCh38, 1-based): chr2:130,155,163, G>A on the plus strand (C>T on the coding strand, the complement: SMPD4 is on the minus strand). VCF-style: chr2-130155163-G-A. GRCh37 (hg19) VCF-style: chr2-130912736-G-A.
Other names: c.1197C>T, p.His399= (NM_001171083.2); c.1416C>T, p.His472= (NM_017751.4).
Identifiers: ClinVar variation 3388709 (VCV003388709.14).